The following is an entry in ClinVar:

ClinVar aggregate classification (germline): Uncertain significance (1 of 4 stars; one submission).

Conditions:
Nemaline myopathy 6 (NEM6). Also called: Nemaline myopathy 6, autosomal dominant. Identifiers: Orphanet 171439, MedGen C1836472, MONDO:0012237, OMIM 609273.

Allele frequency attached by ClinVar (database versions not stated): gnomAD 0.00001.

Submission:

Labcorp Genetics (formerly Invitae), Labcorp
Classification: Uncertain significance for Nemaline myopathy 6. Last evaluated: 2021-12-24. Review status: criteria provided, single submitter. Criteria: Invitae Variant Classification Sherloc (09022015). Collection method: clinical testing. Allele origin: germline.
Comment: In summary, the available evidence is currently insufficient to determine the role of this variant in disease. Therefore, it has been classified as a Variant of Uncertain Significance. Algorithms developed to predict the effect of missense changes on protein structure and function output the following: SIFT: "Tolerated"; PolyPhen-2: "Benign"; Align-GVGD: "Class C0". The glutamic acid amino acid residue is found in multiple mammalian species, which suggests that this missense change does not adversely affect protein function. This variant has not been reported in the literature in individuals affected with KBTBD13-related conditions. The frequency data for this variant in the population databases is considered unreliable, as metrics indicate poor data quality at this position in the gnomAD database. This sequence change replaces alanine, which is neutral and non-polar, with glutamic acid, which is acidic and polar, at codon 73 of the KBTBD13 protein (p.Ala73Glu).

NM_001101362.3(KBTBD13):c.218C>A (p.Ala73Glu)

Gene: KBTBD13 (kelch repeat and BTB domain containing 13; plus strand). Cytogenetic location: 15q22.31.
Variant type: single nucleotide variant.
Coding change: c.218C>A on transcript NM_001101362.3 (MANE Select); coding-DNA position 218, C replaced by A.
Protein change: p.Ala73Glu; replaces alanine 73 with glutamic acid.
Molecular consequence: missense variant.
Genome position (GRCh38, 1-based): chr15:65,077,033, C>A. VCF-style: chr15-65077033-C-A. GRCh37 (hg19) VCF-style: chr15-65369371-C-A.
Other names: short protein forms A73E.
Identifiers: ClinVar variation 2057378 (VCV002057378.4), dbSNP rs946144289, ClinGen allele CA392858814.